The following is an entry in ClinVar:

ClinVar aggregate classification (germline): Likely benign. Review status: criteria provided, single submitter (1 of 4 stars). 2 submissions from 2 submitters: Likely benign (1). 1 of the submissions does not count toward it. Last evaluated 2024-01-28.

Conditions:
ITGA6-related disorder. Also called: ITGA6-related condition.

Allele frequency attached by ClinVar (database versions not stated): gnomAD 0.00001; gnomAD exomes 0.00001; ExAC 0.00002; TOPMed 0.00004.
gnomAD v4.1: 27 of 1,614,018 alleles (0.0017%); highest among the groups gnomAD compares: Middle Eastern, 0.099%; no homozygotes.

Submissions (2):

Labcorp Genetics (formerly Invitae), Labcorp
Classification: Likely benign. Last evaluated: 2024-01-28. Review status: criteria provided, single submitter. Criteria: Invitae Variant Classification Sherloc (09022015). Collection method: clinical testing. Allele origin: germline.

PreventionGenetics, part of Exact Sciences
Classification: Likely benign for ITGA6-related condition. Last evaluated: 2019-03-05. Review status: no assertion criteria provided. Collection method: clinical testing. Allele origin: germline. Not counted in ClinVar's aggregate classification.
Comment: This variant is classified as likely benign based on ACMG/AMP sequence variant interpretation guidelines (Richards et al. 2015 PMID: 25741868, with internal and published modifications).

NM_000210.4(ITGA6):c.1635G>A (p.Glu545=)

Genes: ITGA6 (integrin subunit alpha 6; plus strand), PDK1-AS1 (PDK1 and ITGA6 antisense RNA 1; minus strand). Cytogenetic location: 2q31.1.
Variant type: single nucleotide variant.
Coding change: c.1635G>A on transcript NM_000210.4 (MANE Select); coding-DNA position 1635, G replaced by A.
Protein change: p.Glu545=; no amino-acid change (glutamic acid 545 retained).
Molecular consequence: synonymous variant.
Genome position (GRCh38, 1-based): chr2:172,484,867, G>A. VCF-style: chr2-172484867-G-A. GRCh37 (hg19) VCF-style: chr2-173349595-G-A.
Other names: c.1635G>A, p.Glu545= (NM_001079818.3, NM_001365529.2, NM_001365530.2); c.1278G>A, p.Glu426= (NM_001316306.2); c.1752G>A, p.Glu584= (NM_001394928.1); c.1635G>A (NM_000210.3).
Identifiers: ClinVar variation 2887545 (VCV002887545.5), dbSNP rs759525044, ClinGen allele CA1968191.